The following is an entry in ClinVar:

ClinVar aggregate classification (germline): Uncertain significance (1 of 4 stars; one submission).

Submission:

Labcorp Genetics (formerly Invitae), Labcorp
Classification: Uncertain significance. Last evaluated: 2022-09-09. Review status: criteria provided, single submitter. Criteria: Invitae Variant Classification Sherloc (09022015). Collection method: clinical testing. Allele origin: germline.
Comment: In summary, the available evidence is currently insufficient to determine the role of this variant in disease. Therefore, it has been classified as a Variant of Uncertain Significance. Advanced modeling of protein sequence and biophysical properties (such as structural, functional, and spatial information, amino acid conservation, physicochemical variation, residue mobility, and thermodynamic stability) performed at Invitae indicates that this missense variant is expected to disrupt NYX protein function. This missense change has been observed in individual(s) with congenital stationary night blindness (PMID: 25307992). This variant is not present in population databases (gnomAD no frequency). This sequence change replaces leucine, which is neutral and non-polar, with proline, which is neutral and non-polar, at codon 261 of the NYX protein (p.Leu261Pro).

Literature cited by the submitters: PubMed 25307992.

NM_001378477.3(NYX):c.767T>C (p.Leu256Pro)

Gene: NYX (nyctalopin; plus strand). Cytogenetic location: Xp11.4.
Variant type: single nucleotide variant.
Coding change: c.767T>C on transcript NM_001378477.3 (MANE Select); coding-DNA position 767, T replaced by C.
Protein change: p.Leu256Pro; replaces leucine 256 with proline.
Molecular consequence: missense variant.
Genome position (GRCh38, 1-based): chrX:41,474,235, T>C. VCF-style: chrX-41474235-T-C. GRCh37 (hg19) VCF-style: chrX-41333488-T-C.
Other names: c.767T>C, p.Leu256Pro (NM_022567.3); short protein forms L256P.
Identifiers: ClinVar variation 2138552 (VCV002138552.4), dbSNP rs2519608089, ClinGen allele CA412991215.